The following is an entry in ClinVar:

NM_017841.4(SDHAF2):c.385C>A (p.Pro129Thr)

Gene: SDHAF2 (succinate dehydrogenase complex assembly factor 2; plus strand). Cytogenetic location: 11q12.2.
Variant type: single nucleotide variant.
Coding change: c.385C>A on transcript NM_017841.4 (MANE Select); coding-DNA position 385, C replaced by A.
Protein change: p.Pro129Thr; replaces proline 129 with threonine.
Molecular consequence: missense variant.
Genome position (GRCh38, 1-based): chr11:61,445,955, C>A. VCF-style: chr11-61445955-C-A. GRCh37 (hg19) VCF-style: chr11-61213427-C-A.
Other names: short protein forms P129T.
Identifiers: ClinVar variation 3316871 (VCV003316871.1).
Genomic context (GRCh38, chr11:61,445,955, plus strand): 5'-TTGACTGACTATGGCATAATTTTTTCTGCCCACTCTTCTCTTGCAGAAGCTAAACCAGCC[C>A]CAGAAATATTTGAAAATGAAGTCATGGCCCTGCTGAGAGACTTTGCTAAAAACAAAAACA-3'
Protein context (NP_060311.1, residues 119-139): YYWATEAKPA[Pro129Thr]EIFENEVMAL

ClinVar aggregate classification (germline): Uncertain significance (1 of 4 stars; one submission).

Conditions:
Hereditary cancer-predisposing syndrome. Also called: Neoplastic Syndromes, Hereditary; Tumor predisposition; Hereditary neoplastic syndrome; Hereditary Cancer Syndrome. Identifiers: Orphanet 140162, MedGen C0027672, MeSH D009386, MONDO:0015356.

gnomAD v4.1: 2 of 1,614,086 alleles (0.00012%); highest among the groups gnomAD compares: Non-Finnish European, 0.00017%; no homozygotes.

Submission:

Ambry Genetics
Classification: Uncertain significance for Hereditary cancer-predisposing syndrome. Last evaluated: 2024-04-12. Review status: criteria provided, single submitter. Criteria: Ambry Variant Classification Scheme 2023. Collection method: clinical testing. Allele origin: germline.
Comment: The p.P129T variant (also known as c.385C>A), located in coding exon 4 of the SDHAF2 gene, results from a C to A substitution at nucleotide position 385. The proline at codon 129 is replaced by threonine, an amino acid with highly similar properties. This amino acid position is conserved. In addition, the in silico prediction for this alteration is inconclusive. Based on the available evidence, the clinical significance of this variant remains unclear.